The following is an entry in ClinVar:

NM_000435.3(NOTCH3):c.1156G>A (p.Gly386Arg)

Gene: NOTCH3 (notch receptor 3; minus strand). Cytogenetic location: 19p13.12.
Variant type: single nucleotide variant.
Coding change: c.1156G>A on transcript NM_000435.3 (MANE Select); coding-DNA position 1156, G replaced by A.
Protein change: p.Gly386Arg; replaces glycine 386 with arginine.
Molecular consequence: missense variant.
Genome position (GRCh38, 1-based): chr19:15,189,309, C>T on the plus strand (G>A on the coding strand, the complement: NOTCH3 is on the minus strand). VCF-style: chr19-15189309-C-T. GRCh37 (hg19) VCF-style: chr19-15300120-C-T.
Other names: short protein forms G386R.
Identifiers: ClinVar variation 4990876 (VCV004990876.1).

ClinVar aggregate classification (germline): Uncertain significance (1 of 4 stars; one submission).

Conditions:
NOTCH3-related disorder. Also called: NOTCH3-related disorders; NOTCH3-related condition.

Submission:

PreventionGenetics, part of Exact Sciences
Classification: Uncertain significance for NOTCH3-related condition. Last evaluated: 2026-06-25. Review status: criteria provided, single submitter. Criteria: ACMG Guidelines, 2015. Collection method: clinical testing. Allele origin: germline.
Comment: The NOTCH3 c.1156G>A variant is predicted to result in the amino acid substitution p.Gly386Arg. To our knowledge, this variant has not been reported in the literature or in a large population database (gnomAD), indicating this variant is rare. At this time, the clinical significance of this variant is uncertain due to the absence of conclusive functional and genetic evidence.